The following is an entry in ClinVar:

ClinVar aggregate classification (germline): Uncertain significance (1 of 4 stars; one submission).

Conditions:
Congenital myasthenic syndrome 10. Also called: Myasthenia, limb-girdle, familial. Identifiers: Orphanet 590, MedGen C1850792, MONDO:0009690, OMIM 254300.
Fetal akinesia deformation sequence 1 (FADS1). Also called: Fetal akinesia sequence; Pena-Shokeir syndrome type I. Identifiers: Orphanet 994, MedGen C1276035, MONDO:0100101, OMIM 208150, HP:0001989.

Submission:

Labcorp Genetics (formerly Invitae), Labcorp
Classification: Uncertain significance for Congenital myasthenic syndrome 10; Fetal akinesia deformation sequence 1. Last evaluated: 2022-11-08. Review status: criteria provided, single submitter. Criteria: Invitae Variant Classification Sherloc (09022015). Collection method: clinical testing. Allele origin: germline.
Comment: In summary, the available evidence is currently insufficient to determine the role of this variant in disease. Therefore, it has been classified as a Variant of Uncertain Significance. Algorithms developed to predict the effect of missense changes on protein structure and function are either unavailable or do not agree on the potential impact of this missense change (SIFT: "Deleterious"; PolyPhen-2: "Benign"; Align-GVGD: "Class C0"). ClinVar contains an entry for this variant (Variation ID: 1039734). This variant has not been reported in the literature in individuals affected with DOK7-related conditions. This variant is not present in population databases (gnomAD no frequency). This sequence change replaces histidine, which is basic and polar, with arginine, which is basic and polar, at codon 345 of the DOK7 protein (p.His345Arg).

NM_173660.5(DOK7):c.1034A>G (p.His345Arg)

Gene: DOK7 (docking protein 7; plus strand). Cytogenetic location: 4p16.3.
Variant type: single nucleotide variant.
Coding change: c.1034A>G on transcript NM_173660.5 (MANE Select); coding-DNA position 1034, A replaced by G.
Protein change: p.His345Arg; replaces histidine 345 with arginine.
Molecular consequence: missense variant. On other transcripts: 3 prime UTR variant (1).
Genome position (GRCh38, 1-based): chr4:3,493,020, A>G. VCF-style: chr4-3493020-A-G. GRCh37 (hg19) VCF-style: chr4-3494747-A-G.
Other names: c.*255A>G (NM_001164673.2); c.104A>G, p.His35Arg (NM_001256896.2); c.1034A>G, p.His345Arg (NM_001301071.2); c.602A>G, p.His201Arg (NM_001363811.2); short protein forms H201R, H345R, H35R.
Identifiers: ClinVar variation 1039734 (VCV001039734.9), dbSNP rs1577182623, ClinGen allele CA356117227.
Genomic context (GRCh38, chr4:3,493,020, plus strand): 5'-GGCAGCTGCAGGAGGTTGGCCGCCAGAGCTCCTCGGACAGCGGCATCGCCACTGGCAGCC[A>G]CTCCTCTTACTCCAGCAGCCTCTCGTCCTACGCGGGCAGCAGCCTGGACGTGTGGCGGGC-3'
Protein context (NP_775931.3, residues 335-355): SSDSGIATGS[His345Arg]SSYSSSLSSY